The following is an entry in ClinVar:

ClinVar aggregate classification (germline): Pathogenic (1 of 4 stars; one submission).

Conditions:
Methylmalonic acidemia due to methylmalonyl-CoA epimerase deficiency. Also called: Methylmalonyl-CoA Epimerase Deficiency; METHYLMALONYL-CoA RACEMASE DEFICIENCY; METHYLMALONIC ACIDURIA III. Identifiers: Orphanet 308425, MedGen C1855100, MONDO:0009615, OMIM 251120.

Submission:

Labcorp Genetics (formerly Invitae), Labcorp
Classification: Pathogenic for Methylmalonic acidemia due to methylmalonyl-CoA epimerase deficiency. Last evaluated: 2024-03-24. Review status: criteria provided, single submitter. Criteria: Invitae Variant Classification Sherloc (09022015). Collection method: clinical testing. Allele origin: germline.
Comment: This sequence change creates a premature translational stop signal (p.Ala7Glyfs*60) in the MCEE gene. It is expected to result in an absent or disrupted protein product. Loss-of-function variants in MCEE are known to be pathogenic (PMID: 16697227, 16752391, 30682498). This variant is not present in population databases (gnomAD no frequency). This variant has not been reported in the literature in individuals affected with MCEE-related conditions. For these reasons, this variant has been classified as Pathogenic.

Literature cited by the submitters: PubMed 16697227; PubMed 16752391; PubMed 30682498.

NM_032601.4(MCEE):c.19dup (p.Ala7fs)

Gene: MCEE (methylmalonyl-CoA epimerase; minus strand). Cytogenetic location: 2p13.3.
Variant type: Duplication.
Coding change: c.19dup on transcript NM_032601.4 (MANE Select); coding-DNA position 19, one base duplicated (G; older notation c.19dupG).
Protein change: p.Ala7fs; shifts the reading frame from alanine 7.
Molecular consequence: frameshift variant.
Genome position (GRCh38, 1-based): chr2:71,130,201, C duplicated on the plus strand (G on the coding strand, the reverse complement: MCEE is on the minus strand); the first of 2 consecutive C bases (chr2:71,130,201-71,130,202); duplicating either gives the same sequence. VCF-style (leftmost placement, unchanged base first): chr2-71130200-G-GC. GRCh37 (hg19) VCF-style: chr2-71357330-G-GC.
Other names: short protein forms A7fs.
Identifiers: ClinVar variation 2830026 (VCV002830026.3), dbSNP rs2465931432, ClinGen allele CA2659523838.